The following is an entry in ClinVar:

NM_000263.4(NAGLU):c.431G>A (p.Trp144Ter)

Gene: NAGLU (N-acetyl-alpha-glucosaminidase; plus strand). Cytogenetic location: 17q21.2.
Variant type: single nucleotide variant.
Coding change: c.431G>A on transcript NM_000263.4 (MANE Select); coding-DNA position 431, G replaced by A.
Protein change: p.Trp144Ter; replaces tryptophan 144 with a stop codon.
Molecular consequence: nonsense.
Genome position (GRCh38, 1-based): chr17:42,537,445, G>A. VCF-style: chr17-42537445-G-A. GRCh37 (hg19) VCF-style: chr17-40689463-G-A.
Other names: short protein forms W144*.
Identifiers: ClinVar variation 1724240 (VCV001724240.2), dbSNP rs2510652118, ClinGen allele CA399598085.
Genomic context (GRCh38, chr17:42,537,445, plus strand): 5'-ACACTGCCCGCAGGTACCGCTATTACCAGAATGTGTGCACGCAAAGCTACTCTTTCGTGT[G>A]GTGGGACTGGGCCCGCTGGGAGCGAGAGATAGACTGGATGGCGCTGAATGGCATCAACCT-3'

ClinVar aggregate classification (germline): Likely pathogenic (1 of 4 stars; one submission).

Conditions:
Mucopolysaccharidosis, MPS-III-B (MPS3B). Also called: MUCOPOLYSACCHARIDOSIS, TYPE IIIB; Mucopolysaccharidosis type IIIB (Sanfilippo B); N-ACETYL-ALPHA-D-GLUCOSAMINIDASE DEFICIENCY; NAGLU DEFICIENCY; SANFILIPPO SYNDROME B; MPS III B. Identifiers: Orphanet 79270, MedGen C0086648, MONDO:0009656, OMIM 252920.

Submission:

Myriad Genetics, Inc.
Classification: Likely pathogenic for Mucopolysaccharidosis, MPS-III-B. Last evaluated: 2022-02-02. Review status: criteria provided, single submitter. Criteria: Myriad Women's Health Autosomal Recessive and X-Linked Classification Criteria (2021). Collection method: clinical testing. Allele origin: unknown.
Comment: NM_000263.3(NAGLU):c.431G>A(W144*) is expected to be pathogenic in the context of mucopolysaccharidosis type IIIB. This variant is predicted to lead to an abnormal or absent protein product due to the creation of a premature termination codon in NAGLU, a gene where loss-of-function variants are known to be pathogenic. Please note: this variant was assessed in the context of healthy population screening.